The following is an entry in ClinVar:

NM_001378778.1(MPDZ):c.4856C>A (p.Thr1619Asn)

Gene: MPDZ (multiple PDZ domain crumbs cell polarity complex component; minus strand). Cytogenetic location: 9p23.
Variant type: single nucleotide variant.
Coding change: c.4856C>A on transcript NM_001378778.1 (MANE Select); coding-DNA position 4856, C replaced by A.
Protein change: p.Thr1619Asn; replaces threonine 1619 with asparagine.
Molecular consequence: missense variant.
Genome position (GRCh38, 1-based): chr9:13,123,250, G>T on the plus strand (C>A on the coding strand, the complement: MPDZ is on the minus strand). VCF-style: chr9-13123250-G-T. GRCh37 (hg19) VCF-style: chr9-13123249-G-T.
Other names: c.4757C>A, p.Thr1586Asn (NM_001261406.2, NM_001261407.2, NM_001375416.1 and 3 more transcripts); c.4856C>A, p.Thr1619Asn (NM_001330637.2, NM_003829.5); c.4955C>A, p.Thr1652Asn (NM_001375413.1); c.4646C>A, p.Thr1549Asn (NM_001375420.1, NM_001375421.1, NM_001375422.1 and 4 more transcripts); c.4448C>A, p.Thr1483Asn (NM_001375427.1); short protein forms T1652N, T1483N, T1549N, T1619N, T1586N.
Identifiers: ClinVar variation 2022834 (VCV002022834.4), dbSNP rs752274572, ClinGen allele CA189281430.
Genomic context (GRCh38, chr9:13,123,250, plus strand): 5'-AGCCCTGTTCGCCCTTTGGAAATCTCGATGGTTGTTTCGCAGCCAGGGATAATGGGGCAG[G>T]TTGCAGGATCAGAAGCAAAAATTGCTGGTGTTGATGATCTGCTTGTATCTAAAAATAAGT-3'
Protein context (NP_001365707.1, residues 1609-1629): TPAIFASDPA[Thr1619Asn]CPIIPGCETT

ClinVar aggregate classification (germline): Uncertain significance (1 of 4 stars; one submission).

Allele frequency attached by ClinVar (database versions not stated): gnomAD 0.00001; TOPMed 0.00001.
gnomAD v4.1: 1 of 1,613,290 alleles (0.000062%); highest among the groups gnomAD compares: Non-Finnish European, 0.000085%; no homozygotes.

Submission:

Labcorp Genetics (formerly Invitae), Labcorp
Classification: Uncertain significance. Last evaluated: 2023-05-15. Review status: criteria provided, single submitter. Criteria: Invitae Variant Classification Sherloc (09022015). Collection method: clinical testing. Allele origin: germline.
Comment: The frequency data for this variant in the population databases is considered unreliable, as metrics indicate poor data quality at this position in the gnomAD database. In summary, the available evidence is currently insufficient to determine the role of this variant in disease. Therefore, it has been classified as a Variant of Uncertain Significance. An algorithm developed to predict the effect of missense changes on protein structure and function (PolyPhen-2) suggests that this variant is likely to be disruptive. ClinVar contains an entry for this variant (Variation ID: 2022834). This variant has not been reported in the literature in individuals affected with MPDZ-related conditions. This sequence change replaces threonine, which is neutral and polar, with asparagine, which is neutral and polar, at codon 1619 of the MPDZ protein (p.Thr1619Asn).